The following is an entry in ClinVar:

NM_001369.3(DNAH5):c.9128A>T (p.Asp3043Val)

Gene: DNAH5 (dynein axonemal heavy chain 5; minus strand). Cytogenetic location: 5p15.2.
Variant type: single nucleotide variant.
Coding change: c.9128A>T on transcript NM_001369.3 (MANE Select); coding-DNA position 9128, A replaced by T.
Protein change: p.Asp3043Val; replaces aspartic acid 3043 with valine.
Molecular consequence: missense variant.
Genome position (GRCh38, 1-based): chr5:13,776,684, T>A on the plus strand (A>T on the coding strand, the complement: DNAH5 is on the minus strand). VCF-style: chr5-13776684-T-A. GRCh37 (hg19) VCF-style: chr5-13776793-T-A.
Other names: short protein forms D3043V.
Identifiers: ClinVar variation 971740 (VCV000971740.13), dbSNP rs759475605, ClinGen allele CA3202603.
Genomic context (GRCh38, chr5:13,776,684, plus strand): 5'-CACCTGGGGAATTCTTTTTTCATGACTGATGCCAGGTCGCTATTAATTTCATCAATTTCA[T>A]CTCGAGCAAATAGGTTAGAGACCTTAAAAAGAAGTACAGGCATGCAAATTCAGTACACAC-3'
Protein context (NP_001360.1, residues 3033-3053): SGEVSNLFAR[Asp3043Val]EIDEINSDLA

ClinVar aggregate classification (germline): Uncertain significance. Review status: criteria provided, multiple submitters, no conflicts (2 of 4 stars). 4 submissions from 4 submitters: Uncertain significance (3). 1 of the submissions does not count toward it. Last evaluated 2024-04-04.

Conditions:
Primary ciliary dyskinesia. Also called: Ciliary dyskinesia. Identifiers: Orphanet 244, MedGen C0008780, MONDO:0016575, HP:0012265.
Primary ciliary dyskinesia 3. Identifiers: Orphanet 244, MedGen C1837618, MONDO:0012085, OMIM 608644.

Allele frequency attached by ClinVar (database versions not stated): ExAC 0.00002; gnomAD exomes 0.00002; TOPMed 0.00002; gnomAD 0.00003.
gnomAD v4.1: 42 of 1,613,564 alleles (0.0026%); highest among the groups gnomAD compares: Non-Finnish European, 0.0033%; no homozygotes.

Submissions (4):

ARUP Laboratories, Molecular Genetics and Genomics, ARUP Laboratories
Classification: Uncertain significance for Primary ciliary dyskinesia 3. Last evaluated: 2024-04-04. Review status: criteria provided, single submitter. Criteria: ARUP Molecular Germline Variant Investigation Process 2024. Collection method: clinical testing. Allele origin: germline.
Comment: The DNAH5 c.9128A>T; p.Asp3043Val variant (rs759475605), to our knowledge, is not reported in the medical literature but is reported in ClinVar (Variation ID: 971740). This variant is found in the general population with an allele frequency of 0.003% (7/280,496 alleles) in the Genome Aggregation Database (v2.1.1). Computational analyses predict that this variant is deleterious (REVEL: 0.715). However, given the lack of clinical and functional data, the significance of this variant is uncertain at this time.

Ambry Genetics
Classification: Uncertain significance for Primary ciliary dyskinesia. Last evaluated: 2023-03-06. Review status: criteria provided, single submitter. Criteria: Ambry Variant Classification Scheme 2023. Collection method: clinical testing. Allele origin: germline.

Labcorp Genetics (formerly Invitae), Labcorp
Classification: Uncertain significance for Primary ciliary dyskinesia. Last evaluated: 2021-09-02. Review status: criteria provided, single submitter. Criteria: Invitae Variant Classification Sherloc (09022015). Collection method: clinical testing. Allele origin: germline.
Comment: This sequence change replaces aspartic acid with valine at codon 3043 of the DNAH5 protein (p.Asp3043Val). The aspartic acid residue is highly conserved and there is a large physicochemical difference between aspartic acid and valine. This variant is present in population databases (rs759475605, ExAC 0.003%). This variant has not been reported in the literature in individuals affected with DNAH5-related conditions. Algorithms developed to predict the effect of missense changes on protein structure and function are either unavailable or do not agree on the potential impact of this missense change (SIFT: "Deleterious"; PolyPhen-2: "Probably Damaging"; Align-GVGD: "Class C15"). In summary, the available evidence is currently insufficient to determine the role of this variant in disease. Therefore, it has been classified as a Variant of Uncertain Significance.

Natera, Inc.
Classification: Uncertain significance for Primary ciliary dyskinesia. Last evaluated: 2020-10-24. Review status: no assertion criteria provided. Collection method: clinical testing. Allele origin: germline. Not counted in ClinVar's aggregate classification.